The following is an entry in ClinVar:

ClinVar aggregate classification (germline): Uncertain significance (1 of 4 stars; one submission).

Conditions:
Hereditary spastic paraplegia 11. Also called: Nakamura Osame syndrome; Autosomal recessive hereditary spastic paraplegia, mental impairment, and thin corpus callosum; Spastic paraplegia, mental retardation and thin corpus callosum; SPASTIC PARAPLEGIA, AUTOSOMAL RECESSIVE, COMPLICATED, WITH THIN CORPUS CALLOSUM; SPASTIC PARAPLEGIA, AUTOSOMAL RECESSIVE, WITH MENTAL IMPAIRMENT AND THIN CORPUS CALLOSUM; Spastic Paraplegia 11. Identifiers: Orphanet 2822, MedGen C1858479, MONDO:0011445, OMIM 604360.

Allele frequency attached by ClinVar (database versions not stated): gnomAD exomes below 0.00001.
gnomAD v4.1: 1 of 1,614,126 alleles (0.000062%); highest among the groups gnomAD compares: Non-Finnish European, 0.000085%; no homozygotes.

Submission:

Labcorp Genetics (formerly Invitae), Labcorp
Classification: Uncertain significance for Hereditary spastic paraplegia 11. Last evaluated: 2020-10-25. Review status: criteria provided, single submitter. Criteria: Invitae Variant Classification Sherloc (09022015). Collection method: clinical testing. Allele origin: germline.
Comment: This sequence change replaces methionine with leucine at codon 2440 of the SPG11 protein (p.Met2440Leu). The methionine residue is moderately conserved and there is a small physicochemical difference between methionine and leucine. This variant is not present in population databases (ExAC no frequency). This variant has not been reported in the literature in individuals with SPG11-related conditions. Algorithms developed to predict the effect of missense changes on protein structure and function (SIFT, PolyPhen-2, Align-GVGD) all suggest that this variant is likely to be tolerated, but these predictions have not been confirmed by published functional studies and their clinical significance is uncertain. In summary, the available evidence is currently insufficient to determine the role of this variant in disease. Therefore, it has been classified as a Variant of Uncertain Significance.

NM_025137.4(SPG11):c.7318A>C (p.Met2440Leu)

Gene: SPG11 (SPG11 vesicle trafficking associated, spatacsin; minus strand). Cytogenetic location: 15q21.1.
Variant type: single nucleotide variant.
Coding change: c.7318A>C on transcript NM_025137.4 (MANE Select); coding-DNA position 7318, A replaced by C.
Protein change: p.Met2440Leu; replaces methionine 2440 with leucine.
Molecular consequence: missense variant.
Genome position (GRCh38, 1-based): chr15:44,563,135, T>G on the plus strand (A>C on the coding strand, the complement: SPG11 is on the minus strand). VCF-style: chr15-44563135-T-G. GRCh37 (hg19) VCF-style: chr15-44855333-T-G.
Other names: c.6979A>C, p.Met2327Leu (NM_001160227.2); short protein forms M2327L, M2440L.
Identifiers: ClinVar variation 1059179 (VCV001059179.9), dbSNP rs1595812352, ClinGen allele CA392209895.